The following is an entry in ClinVar:

ClinVar aggregate classification (germline): Uncertain significance. Review status: criteria provided, multiple submitters, no conflicts (2 of 4 stars). 6 submissions from 5 submitters: Uncertain significance (6). Last evaluated 2025-10-16.

Conditions:
Retinitis pigmentosa 39 (RP39). Identifiers: Orphanet 791, MedGen C3151138, MONDO:0013436, OMIM 613809.
Usher syndrome type 2A. Also called: RETINAL DISEASE IN USHER SYNDROME TYPE IIA, MODIFIER OF; USHER SYNDROME, TYPE IIA. Identifiers: Orphanet 231178, Orphanet 886, MedGen C1848634, MONDO:0010169, OMIM 276901.
Hearing impairment. Also called: Impaired Hearing. Identifiers: MedGen C1384666, MONDO:0005365, HP:0000365.
USH2A-related disorder. Also called: USH2A-related disorders; USH2A-related condition. Identifiers: MedGen CN239332.

Allele frequency attached by ClinVar (database versions not stated): TOPMed below 0.00001; gnomAD 0.00001; gnomAD exomes 0.00001; ExAC 0.00002.
gnomAD v4.1: 13 of 1,613,858 alleles (0.00081%); highest among the groups gnomAD compares: African/African-American, 0.0027%; no homozygotes.

Submissions (6):

Myriad Genetics, Inc.
Classification: Uncertain significance for USH2A-related disorder. Last evaluated: 2025-10-16. Review status: criteria provided, single submitter. Criteria: Myriad Autosomal Dominant, Autosomal Recessive and X-Linked Classification Criteria (2023). Collection method: clinical testing. Allele origin: unknown.
Comment: NM_206933.2(USH2A):c.10058C>T(P3353L) is a missense variant classified as a variant of uncertain significance in the context of USH2A-related disorders. P3353L has been observed in a case with relevant disease (PMID: 37438890). Relevant functional assessments of this variant are not available in the literature. P3353L has been observed in referenced population frequency databases. In summary, there is insufficient evidence to classify NM_206933.2(USH2A):c.10058C>T(P3353L) as pathogenic or benign. Please note: this variant was assessed in the context of healthy population screening.

PreventionGenetics, part of Exact Sciences
Classification: Uncertain significance for USH2A-related condition. Last evaluated: 2025-05-08. Review status: criteria provided, single submitter. Criteria: ACMG Guidelines, 2015. Collection method: clinical testing. Allele origin: germline.
Comment: The USH2A c.10058C>T variant is predicted to result in the amino acid substitution p.Pro3353Leu. To our knowledge, this variant has not been reported in the literature. This variant is reported in 0.0062% of alleles in individuals of African descent in gnomAD. At this time, the clinical significance of this variant is uncertain due to the absence of conclusive functional and genetic evidence.

Genome-Nilou Lab
Classification: Uncertain significance for Retinitis pigmentosa 39. Last evaluated: 2023-11-04. Review status: criteria provided, single submitter. Criteria: ACMG Guidelines, 2015. Collection method: clinical testing. Allele origin: germline. Affected: no.

Genome-Nilou Lab
Classification: Uncertain significance for Usher syndrome type 2A. Last evaluated: 2023-11-04. Review status: criteria provided, single submitter. Criteria: ACMG Guidelines, 2015. Collection method: clinical testing. Allele origin: germline. Affected: no.

Labcorp Genetics (formerly Invitae), Labcorp
Classification: Uncertain significance. Last evaluated: 2022-08-22. Review status: criteria provided, single submitter. Criteria: Invitae Variant Classification Sherloc (09022015). Collection method: clinical testing. Allele origin: germline.
Comment: This sequence change replaces proline, which is neutral and non-polar, with leucine, which is neutral and non-polar, at codon 3353 of the USH2A protein (p.Pro3353Leu). This variant is present in population databases (rs755020832, gnomAD 0.007%). This variant has not been reported in the literature in individuals affected with USH2A-related conditions. ClinVar contains an entry for this variant (Variation ID: 1065054). Algorithms developed to predict the effect of missense changes on protein structure and function output the following: SIFT: "Deleterious"; PolyPhen-2: "Benign"; Align-GVGD: "Class C0". The leucine amino acid residue is found in multiple mammalian species, which suggests that this missense change does not adversely affect protein function. In summary, the available evidence is currently insufficient to determine the role of this variant in disease. Therefore, it has been classified as a Variant of Uncertain Significance.

Department of Otolaryngology – Head & Neck Surgery, Cochlear Implant Center
Classification: Uncertain significance for Hearing impairment. Last evaluated: 2021-04-12. Review status: criteria provided, single submitter. Criteria: ClinGen HL ACMG Specifications v1. Collection method: clinical testing. Allele origin: germline. Affected: yes.
Comment: PM2_Moderate, BP4_Supporting

Literature cited by the submitters: PubMed 37438890 (cited by Myriad Genetics, Inc.).

NM_206933.4(USH2A):c.10058C>T (p.Pro3353Leu)

Gene: USH2A (usherin; minus strand). Cytogenetic location: 1q41.
Variant type: single nucleotide variant.
Coding change: c.10058C>T on transcript NM_206933.4 (MANE Select); coding-DNA position 10058, C replaced by T.
Protein change: p.Pro3353Leu; replaces proline 3353 with leucine.
Molecular consequence: missense variant.
Genome position (GRCh38, 1-based): chr1:215,790,183, G>A on the plus strand (C>T on the coding strand, the complement: USH2A is on the minus strand). VCF-style: chr1-215790183-G-A. GRCh37 (hg19) VCF-style: chr1-215963525-G-A.
Other names: short protein forms P3353L.
Identifiers: ClinVar variation 1065054 (VCV001065054.6), dbSNP rs755020832, ClinGen allele CA1394146.
Genomic context (GRCh38, chr1:215,790,183, plus strand): 5'-CCATTACAGCATTTCTGGCTCTTTGGAATAAGTTCAGTCTCACAGCATTTTACTGGCACC[G>A]GGTCATTCTTTTTAATATGTGCTTTAGACTCTCCACTGGAAGCTGAGCAGCATATGGTAT-3'
Protein context (NP_996816.3, residues 3343-3363): ESKAHIKKND[Pro3353Leu]VPVKCCETEL